The following is an entry in ClinVar:

ClinVar aggregate classification (germline): Uncertain significance (1 of 4 stars; one submission).

Submission:

Ambry Genetics
Classification: Uncertain significance. Last evaluated: 2023-10-12. Review status: criteria provided, single submitter. Criteria: Ambry Variant Classification Scheme 2023. Collection method: clinical testing. Allele origin: germline.
Comment: The p.R183S variant (also known as c.547C>A), located in coding exon 4 of the BUB3 gene, results from a C to A substitution at nucleotide position 547. The arginine at codon 183 is replaced by serine, an amino acid with dissimilar properties. This amino acid position is conserved. In addition, this alteration is predicted to be deleterious by in silico analysis. Since supporting evidence is limited at this time, the clinical significance of this alteration remains unclear.

NM_004725.4(BUB3):c.547C>A (p.Arg183Ser)

Gene: BUB3 (BUB3 mitotic checkpoint protein; plus strand). Cytogenetic location: 10q26.13.
Variant type: single nucleotide variant.
Coding change: c.547C>A on transcript NM_004725.4 (MANE Select); coding-DNA position 547, C replaced by A.
Protein change: p.Arg183Ser; replaces arginine 183 with serine.
Molecular consequence: missense variant.
Genome position (GRCh38, 1-based): chr10:123,160,536, C>A. VCF-style: chr10-123160536-C-A. GRCh37 (hg19) VCF-style: chr10-124920052-C-A.
Other names: c.547C>A, p.Arg183Ser (NM_001007793.3); short protein forms R183S.
Identifiers: ClinVar variation 3224507 (VCV003224507.1), dbSNP rs765842898, ClinGen allele CA378626336.